The following is an entry in ClinVar:

NM_001346754.2(PIGW):c.465A>C (p.Arg155Ser)

Genes: MYO19 (myosin XIX; minus strand), PIGW (phosphatidylinositol glycan anchor biosynthesis class W; plus strand). Cytogenetic location: 17q12.
Variant type: single nucleotide variant.
Coding change: c.465A>C on transcript NM_001346754.2 (MANE Select); coding-DNA position 465, A replaced by C.
Protein change: p.Arg155Ser; replaces arginine 155 with serine.
Molecular consequence: missense variant.
Genome position (GRCh38, 1-based): chr17:36,537,566, A>C. VCF-style: chr17-36537566-A-C. GRCh37 (hg19) VCF-style: chr17-34893415-A-C.
Other names: c.465A>C, p.Arg155Ser (NM_001346755.2, NM_178517.5); short protein forms R155S.
Identifiers: ClinVar variation 1367025 (VCV001367025.8), dbSNP rs2142616280, ClinGen allele CA399162731.
Genomic context (GRCh38, chr17:36,537,566, plus strand): 5'-TACCAGTGCGTTTACTGCTATTGCTATTTTGGCTGTGGACTTCCCACTTTTTCCCAGAAG[A>C]TTTGCCAAAACTGAGCTCTATGGGACAGGAGCAATGGATTTTGGAGTAGGTGGCTTTGTT-3'
Protein context (NP_001333683.1, residues 145-165): LAVDFPLFPR[Arg155Ser]FAKTELYGTG

ClinVar aggregate classification (germline): Uncertain significance (1 of 4 stars; one submission).

Conditions:
Hyperphosphatasia with intellectual disability syndrome 5 (GPIBD11). Also called: GLYCOSYLPHOSPHATIDYLINOSITOL BIOSYNTHESIS DEFECT 11. Identifiers: Orphanet 247262, MedGen C4014958, MONDO:0014457, OMIM 616025.

gnomAD v4.1: 2 of 1,613,978 alleles (0.00012%); no homozygotes.

Submission:

Labcorp Genetics (formerly Invitae), Labcorp
Classification: Uncertain significance for Hyperphosphatasia with intellectual disability syndrome 5. Last evaluated: 2022-06-20. Review status: criteria provided, single submitter. Criteria: Invitae Variant Classification Sherloc (09022015). Collection method: clinical testing. Allele origin: germline.
Comment: This sequence change replaces arginine, which is basic and polar, with serine, which is neutral and polar, at codon 155 of the PIGW protein (p.Arg155Ser). This variant is not present in population databases (gnomAD no frequency). This variant has not been reported in the literature in individuals affected with PIGW-related conditions. Algorithms developed to predict the effect of missense changes on protein structure and function are either unavailable or do not agree on the potential impact of this missense change (SIFT: "Tolerated"; PolyPhen-2: "Probably Damaging"; Align-GVGD: "Class C0"). In summary, the available evidence is currently insufficient to determine the role of this variant in disease. Therefore, it has been classified as a Variant of Uncertain Significance.